The following is an entry in ClinVar:

NM_000238.4(KCNH2):c.2932G>T (p.Glu978Ter)

Gene: KCNH2 (potassium voltage-gated channel subfamily H member 2; minus strand). Cytogenetic location: 7q36.1.
Variant type: single nucleotide variant.
Coding change: c.2932G>T on transcript NM_000238.4 (MANE Select); coding-DNA position 2932, G replaced by T.
Protein change: p.Glu978Ter; replaces glutamic acid 978 with a stop codon.
Molecular consequence: nonsense. On other transcripts: non-coding transcript variant (2).
Genome position (GRCh38, 1-based): chr7:150,947,639, C>A on the plus strand (G>T on the coding strand, the complement: KCNH2 is on the minus strand). VCF-style: chr7-150947639-C-A. GRCh37 (hg19) VCF-style: chr7-150644727-C-A.
Other names: p.E978*:GAG>TAG; c.2644G>T, p.Glu882Ter (NM_001406753.1); c.1912G>T, p.Glu638Ter (NM_172057.3); short protein forms E638*, E978*, E882*.
Identifiers: ClinVar variation 200484 (VCV000200484.4), dbSNP rs141117135, ClinGen allele CA007657.
Genomic context (GRCh38, chr7:150,947,639, plus strand): 5'-CCCTCGCCCGCCCGTCGCCCGGGATACCTGACAGGGGGTTGCAAGTGTCGCTGCTCTTCT[C>A]GCAGTCCTCCATCAGGGGCTCCCCACCCGGCGGCTCTCCGGGGGGCCTGGGGCTGGAGAA-3'

ClinVar aggregate classification (germline): Pathogenic (1 of 4 stars; one submission).

Submission:

GeneDx
Classification: Pathogenic. Last evaluated: 2014-07-15. Review status: criteria provided, single submitter. Criteria: GeneDx Variant Classification (06012015). Collection method: clinical testing. Allele origin: germline. Affected: yes.
Comment: p.Glu978Stop (GAG>TAG): c.2932 G>T in exon 12 of the KCNH2 gene (NM_000238.2). The E978X mutation was reported in one of 50 Italian individuals with LQT2 enrolled in a study evaluating vagal reflexes following an exercise stress test (Crotti L et al., 2012). E978X is predicted to cause loss of normal protein function either by protein truncation or nonsense-mediated mRNA decay. Other nonsense mutations in the KCNH2 gene have been reported in association with LQTS. In summary, E978X in the KCNH2 gene is interpreted as a disease-causing mutation. The variant is found in LQT panel(s).